The following is an entry in ClinVar:

NM_005236.3(ERCC4):c.2050A>G (p.Ile684Val)

Gene: ERCC4 (ERCC excision repair 4, endonuclease catalytic subunit; plus strand). Cytogenetic location: 16p13.12.
Variant type: single nucleotide variant.
Coding change: c.2050A>G on transcript NM_005236.3 (MANE Select); coding-DNA position 2050, A replaced by G.
Protein change: p.Ile684Val; replaces isoleucine 684 with valine.
Molecular consequence: missense variant.
Genome position (GRCh38, 1-based): chr16:13,947,646, A>G. VCF-style: chr16-13947646-A-G. GRCh37 (hg19) VCF-style: chr16-14041503-A-G.
Other names: short protein forms I684V.
Identifiers: ClinVar variation 2944744 (VCV002944744.3), dbSNP rs2543194886, ClinGen allele CA394821172.

ClinVar aggregate classification (germline): Uncertain significance (1 of 4 stars; one submission).

Conditions:
Xeroderma pigmentosum, group F (XPF). Also called: XERODERMA PIGMENTOSUM, COMPLEMENTATION GROUP F; XERODERMA PIGMENTOSUM VI; XP, GROUP F; ERCC4-Related Xeroderma Pigmentosum; XERODERMA PIGMENTOSUM, TYPE F; Xeroderma pigmentosum, type 6. Identifiers: MedGen C0268140, MONDO:0010215, OMIM 278760.
Fanconi anemia complementation group Q. Identifiers: Orphanet 84, MedGen C3808988, MONDO:0014108, OMIM 615272.
Cockayne syndrome. Identifiers: Orphanet 191, MedGen C0009207, MONDO:0016006.

Allele frequency attached by ClinVar (database versions not stated): gnomAD exomes below 0.00001.
gnomAD v4.1: 1 of 1,614,220 alleles (0.000062%); highest among the groups gnomAD compares: Non-Finnish European, 0.000085%; no homozygotes.

Submission:

Labcorp Genetics (formerly Invitae), Labcorp
Classification: Uncertain significance for Fanconi anemia complementation group Q; Xeroderma pigmentosum, group F; Cockayne syndrome. Last evaluated: 2023-02-26. Review status: criteria provided, single submitter. Criteria: Invitae Variant Classification Sherloc (09022015). Collection method: clinical testing. Allele origin: germline.
Comment: This variant is not present in population databases (gnomAD no frequency). This sequence change replaces isoleucine, which is neutral and non-polar, with valine, which is neutral and non-polar, at codon 684 of the ERCC4 protein (p.Ile684Val). This variant has not been reported in the literature in individuals affected with ERCC4-related conditions. Advanced modeling of protein sequence and biophysical properties (such as structural, functional, and spatial information, amino acid conservation, physicochemical variation, residue mobility, and thermodynamic stability) performed at Invitae indicates that this missense variant is not expected to disrupt ERCC4 protein function. In summary, the available evidence is currently insufficient to determine the role of this variant in disease. Therefore, it has been classified as a Variant of Uncertain Significance.